The following is an entry in ClinVar:

NC_000011.9:g.(?_88033678)_(88033833_?)del

Gene: CTSC (cathepsin C; minus strand). Cytogenetic location: 11q14.2.
Variant type: Deletion.
Identifiers: ClinVar variation 3244631 (VCV003244631.1).

ClinVar aggregate classification (germline): Pathogenic (1 of 4 stars; one submission).

Conditions:
Periodontitis, aggressive. Identifiers: MedGen C0031106, MONDO:0980757.
Haim-Munk syndrome (HMS). Also called: COCHIN JEWISH DISORDER; KERATOSIS PALMOPLANTARIS WITH PERIODONTOPATHIA AND ONYCHOGRYPOSIS. Identifiers: Orphanet 2342, MedGen C1855627, MONDO:0009491, OMIM 245010.
Papillon-Lefèvre syndrome (PALS). Also called: KERATOSIS PALMOPLANTARIS WITH PERIODONTOPATHIA; Papillon-Lefevre Disease. Identifiers: Orphanet 678, MedGen C0030360, MONDO:0009490, OMIM 245000.

Submission:

Labcorp Genetics (formerly Invitae), Labcorp
Classification: Pathogenic for Haim-Munk syndrome; Periodontitis, aggressive; Papillon-Lefèvre syndrome. Last evaluated: 2023-11-09. Review status: criteria provided, single submitter. Criteria: Invitae Variant Classification Sherloc (09022015). Collection method: clinical testing. Allele origin: unknown.
Comment: This variant is a gross deletion of the genomic region encompassing exon(s) 5 of the CTSC gene. This deletion is out-of-frame, and is expected to create a premature termination codon and result in an absent or disrupted protein product. Loss-of-function variants in CTSC are known to be pathogenic (PMID: 10662808, 11106356, 11886537). This variant has not been reported in the literature in individuals affected with CTSC-related conditions. For these reasons, this variant has been classified as Pathogenic.

Literature cited by the submitters: PubMed 10662808; PubMed 11106356; PubMed 11886537.